The following is an entry in ClinVar:

NM_014141.6(CNTNAP2):c.*2157A>G

Gene: CNTNAP2 (contactin associated protein 2; plus strand). Cytogenetic location: 7q36.1.
Variant type: single nucleotide variant.
Coding change: c.*2157A>G on transcript NM_014141.6 (MANE Select); 2157 bases downstream of the stop codon, A replaced by G.
Molecular consequence: 3 prime UTR variant.
Genome position (GRCh38, 1-based): chr7:148,417,773, A>G. VCF-style: chr7-148417773-A-G. GRCh37 (hg19) VCF-style: chr7-148114865-A-G.
Identifiers: ClinVar variation 359231 (VCV000359231.7), dbSNP rs1062072, ClinGen allele CA10628485.

ClinVar aggregate classification (germline): Benign. Review status: criteria provided, multiple submitters, no conflicts (2 of 4 stars). 2 submissions from 2 submitters: Benign (2). Last evaluated 2018-01-13.

Conditions:
Cortical dysplasia-focal epilepsy syndrome (PTHSL1). Also called: Pitt-Hopkins-like syndrome 1. Identifiers: Orphanet 163681, Orphanet 221150, MedGen C2750246, MONDO:0012400, OMIM 610042.

Allele frequency attached by ClinVar (database versions not stated): gnomAD 0.48864 and 0.48973; TOPMed 0.51889; 1000 Genomes Project 0.53714; 1000 Genomes Project 30x 0.53857.

Submissions (2):

Illumina Laboratory Services, Illumina
Classification: Benign for Cortical dysplasia-focal epilepsy syndrome. Last evaluated: 2018-01-13. Review status: criteria provided, single submitter. Criteria: ICSL Variant Classification Criteria 13 December 2019. Collection method: clinical testing. Allele origin: germline.
Comment: This variant was observed in the ICSL laboratory as part of a predisposition screen in an ostensibly healthy population. It had not been previously curated by ICSL or reported in the Human Gene Mutation Database (HGMD: prior to June 1st, 2018), and was therefore a candidate for classification through an automated scoring system. Utilizing variant allele frequency, disease prevalence and penetrance estimates, and inheritance mode, an automated score was calculated to assess if this variant is too frequent to cause the disease. Based on the score and internal cut-off values, a variant classified as benign is not then subjected to further curation. The score for this variant resulted in a classification of benign for this disease.

Breakthrough Genomics
Classification: Benign. Review status: criteria provided, single submitter. Criteria: ACMG Guidelines, 2015. Collection method: not provided. Allele origin: germline. Inheritance: Autosomal recessive inheritance. Affected: yes.